The following is an entry in ClinVar:

NM_001287.6(CLCN7):c.1288G>T (p.Val430Leu)

Gene: CLCN7 (Cl-/H+ antiporter 7; minus strand). Cytogenetic location: 16p13.3.
Variant type: single nucleotide variant.
Coding change: c.1288G>T on transcript NM_001287.6 (MANE Select); coding-DNA position 1288, G replaced by T.
Protein change: p.Val430Leu; replaces valine 430 with leucine.
Molecular consequence: missense variant.
Genome position (GRCh38, 1-based): chr16:1,452,820, C>A on the plus strand (G>T on the coding strand, the complement: CLCN7 is on the minus strand). VCF-style: chr16-1452820-C-A. GRCh37 (hg19) VCF-style: chr16-1502821-C-A.
Other names: c.1288G>T (NM_001287.5); c.1216G>T, p.Val406Leu (NM_001114331.3); short protein forms V406L, V430L.
Identifiers: ClinVar variation 1897004 (VCV001897004.6), dbSNP rs767504116, ClinGen allele CA394189165.
Genomic context (GRCh38, chr16:1,452,820, plus strand): 5'-GCGGGTAGGACATGGAGCCCCCCTGCAGGGGCTGGCAATCCCGCGACGAGTAGATCAGCA[C>A]GAAGGCAACTGTGGCCGTGACGGCGGCCACCAGCACGGCCTCAATCACCTGCAGGCAGGG-3'
Protein context (NP_001278.1, residues 420-440): VAAVTATVAF[Val430Leu]LIYSSRDCQP

ClinVar aggregate classification (germline): Uncertain significance. Review status: criteria provided, multiple submitters, no conflicts (2 of 4 stars). 2 submissions from 2 submitters: Uncertain significance (2). Last evaluated 2025-09-11.

Conditions:
CLCN7-related disorder. Also called: CLCN7-related condition.

Submissions (2):

Labcorp Genetics (formerly Invitae), Labcorp
Classification: Uncertain significance. Last evaluated: 2025-09-11. Review status: criteria provided, single submitter. Criteria: Invitae Variant Classification Sherloc (09022015). Collection method: clinical testing. Allele origin: germline.
Comment: This sequence change replaces valine, which is neutral and non-polar, with leucine, which is neutral and non-polar, at codon 430 of the CLCN7 protein (p.Val430Leu). The frequency data for this variant in the population databases is considered unreliable, as metrics indicate poor data quality at this position in the gnomAD database. This variant has not been reported in the literature in individuals affected with CLCN7-related conditions. ClinVar contains an entry for this variant (Variation ID: 1897004). An algorithm developed to predict the effect of missense changes on protein structure and function (PolyPhen-2) suggests that this variant is likely to be tolerated. In summary, the available evidence is currently insufficient to determine the role of this variant in disease. Therefore, it has been classified as a Variant of Uncertain Significance.

PreventionGenetics, part of Exact Sciences
Classification: Uncertain significance for CLCN7-related condition. Last evaluated: 2025-09-05. Review status: criteria provided, single submitter. Criteria: ACMG Guidelines, 2015. Collection method: clinical testing. Allele origin: germline.
Comment: The CLCN7 c.1288G>T variant is predicted to result in the amino acid substitution p.Val430Leu. To our knowledge, this variant has not been reported in the literature. This variant is reported in 0.0090% of alleles in individuals of Latino descent in gnomAD. At this time, the clinical significance of this variant is uncertain due to the absence of conclusive functional and genetic evidence.